The following is an entry in ClinVar:

ClinVar aggregate classification (germline): Uncertain significance (1 of 4 stars; one submission).

Conditions:
Tuberous sclerosis 2 (TSC2). Identifiers: Orphanet 805, MedGen C1860707, MONDO:0013199, OMIM 613254.

Submission:

Labcorp Genetics (formerly Invitae), Labcorp
Classification: Uncertain significance for Tuberous sclerosis 2. Last evaluated: 2023-11-02. Review status: criteria provided, single submitter. Criteria: Invitae Variant Classification Sherloc (09022015). Collection method: clinical testing. Allele origin: germline.
Comment: This sequence change replaces serine, which is neutral and polar, with threonine, which is neutral and polar, at codon 188 of the TSC2 protein (p.Ser188Thr). This variant is not present in population databases (gnomAD no frequency). This variant has not been reported in the literature in individuals affected with TSC2-related conditions. Advanced modeling of protein sequence and biophysical properties (such as structural, functional, and spatial information, amino acid conservation, physicochemical variation, residue mobility, and thermodynamic stability) performed at Invitae indicates that this missense variant is not expected to disrupt TSC2 protein function with a negative predictive value of 95%. In summary, the available evidence is currently insufficient to determine the role of this variant in disease. Therefore, it has been classified as a Variant of Uncertain Significance.

NM_000548.5(TSC2):c.563G>C (p.Ser188Thr)

Gene: TSC2 (TSC complex subunit 2; plus strand). Cytogenetic location: 16p13.3.
Variant type: single nucleotide variant.
Coding change: c.563G>C on transcript NM_000548.5 (MANE Select); coding-DNA position 563, G replaced by C.
Protein change: p.Ser188Thr; replaces serine 188 with threonine.
Molecular consequence: missense variant. On other transcripts: 5 prime UTR variant (13), non-coding transcript variant (5), intron variant (6).
Genome position (GRCh38, 1-based): chr16:2,055,483, G>C. VCF-style: chr16-2055483-G-C. GRCh37 (hg19) VCF-style: chr16-2105484-G-C.
Other names: c.563G>C, p.Ser188Thr (NM_001406671.1, NM_001406673.1, NM_021055.3 and 8 more transcripts); c.416G>C, p.Ser139Thr (NM_001406675.1, NM_001406676.1, NM_001406679.1 and 1 more transcripts); c.506G>C, p.Ser169Thr (NM_001406677.1); c.452G>C, p.Ser151Thr (NM_001406678.1, NM_001318827.2, NM_001406670.1); c.-254G>C (NM_001406680.1, NM_001406683.1, NM_001406687.1); c.101G>C, p.Ser34Thr (NM_001406681.1); c.-869G>C (NM_001406689.1, NM_001406690.1, NM_001406691.1 and 2 more transcripts); c.-1085G>C (NM_001406693.1); and 6 more; short protein forms S139T, S218T, S151T, S188T, S199T, S169T, S34T.
Identifiers: ClinVar variation 2800026 (VCV002800026.3), dbSNP rs2151060769, ClinGen allele CA394309588.